The following is an entry in ClinVar:

NM_004366.6(CLCN2):c.2431T>C (p.Ser811Pro)

Gene: CLCN2 (chloride voltage-gated channel 2; minus strand). Cytogenetic location: 3q27.1.
Variant type: single nucleotide variant.
Coding change: c.2431T>C on transcript NM_004366.6 (MANE Select); coding-DNA position 2431, T replaced by C.
Protein change: p.Ser811Pro; replaces serine 811 with proline.
Molecular consequence: missense variant. On other transcripts: intron variant (1).
Genome position (GRCh38, 1-based): chr3:184,347,006, A>G on the plus strand (T>C on the coding strand, the complement: CLCN2 is on the minus strand). VCF-style: chr3-184347006-A-G. GRCh37 (hg19) VCF-style: chr3-184064794-A-G.
Other names: c.2431T>C (NM_004366.4); c.2380T>C, p.Ser794Pro (NM_001171087.3); c.2299T>C, p.Ser767Pro (NM_001171088.3); c.2416-206T>C (NM_001171089.3); short protein forms S767P, S794P, S811P.
Identifiers: ClinVar variation 2813883 (VCV002813883.4), dbSNP rs2474222437, ClinGen allele CA355444919.

ClinVar aggregate classification (germline): Uncertain significance. Review status: criteria provided, multiple submitters, no conflicts (2 of 4 stars). 2 submissions from 2 submitters: Uncertain significance (2). Last evaluated 2024-05-20.

Conditions:
Inborn genetic diseases. Identifiers: MedGen C0950123, MeSH D030342.

Allele frequency attached by ClinVar (database versions not stated): gnomAD exomes below 0.00001.
gnomAD v4.1: 1 of 1,613,940 alleles (0.000062%); highest among the groups gnomAD compares: African/African-American, 0.0013%; no homozygotes.

Submissions (2):

Ambry Genetics
Classification: Uncertain significance for Inborn genetic diseases. Last evaluated: 2024-05-20. Review status: criteria provided, single submitter. Criteria: Ambry Variant Classification Scheme 2023. Collection method: clinical testing. Allele origin: germline.

Labcorp Genetics (formerly Invitae), Labcorp
Classification: Uncertain significance. Last evaluated: 2022-12-13. Review status: criteria provided, single submitter. Criteria: Invitae Variant Classification Sherloc (09022015). Collection method: clinical testing. Allele origin: germline.
Comment: In summary, the available evidence is currently insufficient to determine the role of this variant in disease. Therefore, it has been classified as a Variant of Uncertain Significance. Advanced modeling of protein sequence and biophysical properties (such as structural, functional, and spatial information, amino acid conservation, physicochemical variation, residue mobility, and thermodynamic stability) performed at Invitae indicates that this missense variant is expected to disrupt CLCN2 protein function. This variant has not been reported in the literature in individuals affected with CLCN2-related conditions. This variant is not present in population databases (gnomAD no frequency). This sequence change replaces serine, which is neutral and polar, with proline, which is neutral and non-polar, at codon 811 of the CLCN2 protein (p.Ser811Pro).